The following is an entry in ClinVar:

ClinVar aggregate classification (germline): Likely benign. Review status: criteria provided, multiple submitters, no conflicts (2 of 4 stars). 4 submissions from 4 submitters: Likely benign (4). Last evaluated 2024-09-01.

Conditions:
Pyridoxine-dependent epilepsy (EPEO4). Also called: EPILEPSY, EARLY-ONSET, 4, VITAMIN B6-DEPENDENT; Pyridoxine-Dependent Epilepsy - ALDH7A1; Pyridoxine-Dependent Seizures; PYRIDOXINE DEPENDENCY WITH SEIZURES. Identifiers: Orphanet 3006, MedGen C1849508, MONDO:0009945, OMIM 266100. Disease mechanism: loss of function.

Allele frequency attached by ClinVar (database versions not stated): ExAC 0.00001; gnomAD exomes 0.00002; TOPMed 0.00002; 1000 Genomes Project 30x 0.00016; 1000 Genomes Project 0.00020.
gnomAD v4.1: 35 of 1,613,946 alleles (0.0022%); highest among the groups gnomAD compares: Middle Eastern, 0.05%; no homozygotes.

Submissions (4):

CeGaT Center for Human Genetics Tuebingen
Classification: Likely benign. Last evaluated: 2024-09-01. Review status: criteria provided, single submitter. Criteria: CeGaT Center For Human Genetics Tuebingen Variant Classification Criteria Version 2. Collection method: clinical testing. Allele origin: germline. Affected: yes. Observed: 1 variant allele.
Comment: ALDH7A1: BP4, BP7

Labcorp Genetics (formerly Invitae), Labcorp
Classification: Likely benign for Pyridoxine-dependent epilepsy. Last evaluated: 2024-03-08. Review status: criteria provided, single submitter. Criteria: Invitae Variant Classification Sherloc (09022015). Collection method: clinical testing. Allele origin: germline.

Genome-Nilou Lab
Classification: Likely benign for Pyridoxine-dependent epilepsy. Last evaluated: 2023-04-11. Review status: criteria provided, single submitter. Criteria: ACMG Guidelines, 2015. Collection method: clinical testing. Allele origin: germline. Affected: no.

GeneDx
Classification: Likely benign. Last evaluated: 2017-10-02. Review status: criteria provided, single submitter. Criteria: GeneDx Variant Classification (06012015). Collection method: clinical testing. Allele origin: germline. Affected: yes.
Comment: This variant is considered likely benign or benign based on one or more of the following criteria: it is a conservative change, it occurs at a poorly conserved position in the protein, it is predicted to be benign by multiple in silico algorithms, and/or has population frequency not consistent with disease.

NM_001182.5(ALDH7A1):c.1233G>A (p.Pro411=)

Gene: ALDH7A1 (aldehyde dehydrogenase 7 family member A1; minus strand). Cytogenetic location: 5q23.2.
Variant type: single nucleotide variant.
Coding change: c.1233G>A on transcript NM_001182.5 (MANE Select); coding-DNA position 1233, G replaced by A.
Protein change: p.Pro411=; no amino-acid change (proline 411 retained).
Molecular consequence: synonymous variant.
Genome position (GRCh38, 1-based): chr5:126,552,105, C>T on the plus strand (G>A on the coding strand, the complement: ALDH7A1 is on the minus strand). VCF-style: chr5-126552105-C-T. GRCh37 (hg19) VCF-style: chr5-125887797-C-T.
Other names: c.1149G>A, p.Pro383= (NM_001201377.2); c.1041G>A, p.Pro347= (NM_001202404.2).
Identifiers: ClinVar variation 506580 (VCV000506580.24), dbSNP rs572831296, ClinGen allele CA3389476.
Genomic context (GRCh38, chr5:126,552,105, plus strand): 5'-CGGAGCAAAAGTCTCTGTGTGTGCAATGGACGCATCGTGGCCAAGACCTGTCACAATTGT[C>T]GGTTCTACATAATTTCCAGGGCGATCCATAACCTAATGCAGAGAAATGAAATAAAAAGAA-3'
Protein context (NP_001173.2, residues 401-421): VMDRPGNYVE[Pro411=]TIVTGLGHDA